The following is an entry in ClinVar:

NM_005422.4(TECTA):c.6296C>G (p.Thr2099Arg)

Genes: TBCEL-TECTA (TBCEL-TECTA readthrough; plus strand), TECTA (tectorin alpha; plus strand). Cytogenetic location: 11q23.3.
Variant type: single nucleotide variant.
Coding change: c.6296C>G on transcript NM_005422.4 (MANE Select); coding-DNA position 6296, C replaced by G.
Protein change: p.Thr2099Arg; replaces threonine 2099 with arginine.
Molecular consequence: missense variant.
Genome position (GRCh38, 1-based): chr11:121,189,809, C>G. VCF-style: chr11-121189809-C-G. GRCh37 (hg19) VCF-style: chr11-121060518-C-G.
Other names: c.7238C>G, p.Thr2413Arg (NM_001378761.1); short protein forms T2099R, T2413R.
Identifiers: ClinVar variation 426873 (VCV000426873.11), dbSNP rs149716373, ClinGen allele CA6327947.

ClinVar aggregate classification (germline): Uncertain significance. Review status: criteria provided, multiple submitters, no conflicts (2 of 4 stars). 4 submissions from 4 submitters: Uncertain significance (4). Last evaluated 2026-01-06.

Conditions:
TECTA-related disorder. Also called: TECTA-related condition.

Allele frequency attached by ClinVar (database versions not stated): TOPMed 0.00003.
gnomAD v4.1: 92 of 1,613,812 alleles (0.0057%); highest among the groups gnomAD compares: Non-Finnish European, 0.0075%; no homozygotes.

Submissions (4):

GeneDx
Classification: Uncertain significance. Last evaluated: 2026-01-06. Review status: criteria provided, single submitter. Criteria: GeneDx Variant Classification Process June 2021. Collection method: clinical testing. Allele origin: germline. Affected: yes.
Comment: Not observed at significant frequency in large population cohorts (gnomAD); In silico analysis suggests that this missense variant does not alter protein structure/function; Has not been previously published as pathogenic or benign to our knowledge

Women's Health and Genetics/Laboratory Corporation of America, LabCorp
Classification: Uncertain significance. Last evaluated: 2025-10-23. Review status: criteria provided, single submitter. Criteria: LabCorp Variant Classification Summary - May 2015. Collection method: clinical testing. Allele origin: germline.
Comment: Variant summary: TECTA c.6296C>G (p.Thr2099Arg) results in a non-conservative amino acid change in the encoded protein sequence. Algorithms developed to predict the effect of missense changes on protein structure and function all suggest that this variant is likely to be disruptive. The variant allele was found at a frequency of 8e-06 in 251480 control chromosomes. The available data on variant occurrences in the general population are insufficient to allow any conclusion about variant significance. To our knowledge, no occurrence of c.6296C>G in individuals affected with TECTA-related conditions and no experimental evidence demonstrating its impact on protein function have been reported. ClinVar contains an entry for this variant (Variation ID: 426873). Based on the evidence outlined above, the variant was classified as uncertain significance.

PreventionGenetics, part of Exact Sciences
Classification: Uncertain significance for TECTA-related condition. Last evaluated: 2025-01-22. Review status: criteria provided, single submitter. Criteria: ACMG Guidelines, 2015. Collection method: clinical testing. Allele origin: germline.
Comment: The TECTA c.6296C>G variant is predicted to result in the amino acid substitution p.Thr2099Arg. To our knowledge, this variant has not been reported in the literature. This variant is reported in 0.00088% of alleles in individuals of European (Non-Finnish) descent in gnomAD. At this time, the clinical significance of this variant is uncertain due to the absence of conclusive functional and genetic evidence.

Labcorp Genetics (formerly Invitae), Labcorp
Classification: Uncertain significance. Last evaluated: 2024-05-20. Review status: criteria provided, single submitter. Criteria: Invitae Variant Classification Sherloc (09022015). Collection method: clinical testing. Allele origin: germline.
Comment: This sequence change replaces threonine, which is neutral and polar, with arginine, which is basic and polar, at codon 2099 of the TECTA protein (p.Thr2099Arg). This variant is present in population databases (rs149716373, gnomAD 0.0009%). This variant has not been reported in the literature in individuals affected with TECTA-related conditions. ClinVar contains an entry for this variant (Variation ID: 426873). Advanced modeling of protein sequence and biophysical properties (such as structural, functional, and spatial information, amino acid conservation, physicochemical variation, residue mobility, and thermodynamic stability) has been performed at Invitae for this missense variant, however the output from this modeling did not meet the statistical confidence thresholds required to predict the impact of this variant on TECTA protein function. In summary, the available evidence is currently insufficient to determine the role of this variant in disease. Therefore, it has been classified as a Variant of Uncertain Significance.